The following is an entry in ClinVar:

NM_002335.4(LRP5):c.4499C>T (p.Pro1500Leu)

Gene: LRP5 (LDL receptor related protein 5; plus strand). Cytogenetic location: 11q13.2.
Variant type: single nucleotide variant.
Coding change: c.4499C>T on transcript NM_002335.4 (MANE Select); coding-DNA position 4499, C replaced by T.
Protein change: p.Pro1500Leu; replaces proline 1500 with leucine.
Molecular consequence: missense variant.
Genome position (GRCh38, 1-based): chr11:68,446,446, C>T. VCF-style: chr11-68446446-C-T. GRCh37 (hg19) VCF-style: chr11-68213914-C-T.
Other names: c.4499C>T (NM_002335.2); c.2756C>T, p.Pro919Leu (NM_001291902.2); short protein forms P919L, P1500L.
Identifiers: ClinVar variation 943506 (VCV000943506.13), dbSNP rs1422985053, ClinGen allele CA381616799.

ClinVar aggregate classification (germline): Uncertain significance. Review status: criteria provided, multiple submitters, no conflicts (2 of 4 stars). 4 submissions from 4 submitters: Uncertain significance (4). Last evaluated 2025-08-23.

Conditions:
LRP5-related disorder. Also called: LRP5-related condition.
Inborn genetic diseases. Identifiers: MedGen C0950123, MeSH D030342.
Osteoporosis with pseudoglioma (OPPG). Also called: osteoporosis-pseudoglioma syndrome. Identifiers: Orphanet 2788, MedGen C0432252, MONDO:0009820, OMIM 259770.

Allele frequency attached by ClinVar (database versions not stated): gnomAD 0.00001; gnomAD exomes 0.00001; TOPMed 0.00001.

Submissions (4):

Ambry Genetics
Classification: Uncertain significance for Inborn genetic diseases. Last evaluated: 2025-08-23. Review status: criteria provided, single submitter. Criteria: Ambry Variant Classification Scheme 2023. Collection method: clinical testing. Allele origin: germline.

PreventionGenetics, part of Exact Sciences
Classification: Uncertain significance for LRP5-related condition. Last evaluated: 2025-05-07. Review status: criteria provided, single submitter. Criteria: ACMG Guidelines, 2015. Collection method: clinical testing. Allele origin: germline.
Comment: The LRP5 c.4499C>T variant is predicted to result in the amino acid substitution p.Pro1500Leu. To our knowledge, this variant has not been reported in the literature. This variant is reported in 0.09% of alleles in the ‘other’ subpopulation in gnomAD. At this time, the clinical significance of this variant is uncertain due to the absence of conclusive functional and genetic evidence.

Institute of Human Genetics, University of Leipzig Medical Center
Classification: Uncertain significance for Osteoporosis with pseudoglioma. Last evaluated: 2024-12-12. Review status: criteria provided, single submitter. Criteria: ACMG Guidelines, 2015. Collection method: clinical testing. Allele origin: unknown. Inheritance: Autosomal recessive inheritance. Affected: yes.
Comment: Criteria applied: PM2_SUP,PP3

Labcorp Genetics (formerly Invitae), Labcorp
Classification: Uncertain significance. Last evaluated: 2022-09-06. Review status: criteria provided, single submitter. Criteria: Invitae Variant Classification Sherloc (09022015). Collection method: clinical testing. Allele origin: germline.
Comment: This sequence change replaces proline, which is neutral and non-polar, with leucine, which is neutral and non-polar, at codon 1500 of the LRP5 protein (p.Pro1500Leu). This variant is present in population databases (no rsID available, gnomAD 0.03%). This missense change has been observed in individual(s) with clinical features of LRP5-related conditions (Invitae). ClinVar contains an entry for this variant (Variation ID: 943506). Algorithms developed to predict the effect of missense changes on protein structure and function are either unavailable or do not agree on the potential impact of this missense change (SIFT: "Deleterious"; PolyPhen-2: "Probably Damaging"; Align-GVGD: "Class C0"). In summary, the available evidence is currently insufficient to determine the role of this variant in disease. Therefore, it has been classified as a Variant of Uncertain Significance.